The following is an entry in ClinVar:

ClinVar aggregate classification (germline): Conflicting classifications of pathogenicity. Review status: criteria provided, conflicting classifications (1 of 4 stars). 6 submissions from 6 submitters: Uncertain significance (2); Likely benign (3). 1 of the submissions does not count toward it. Last evaluated 2025-10-03.

Conditions:
Inborn genetic diseases. Identifiers: MedGen C0950123, MeSH D030342.
Seizures, benign familial neonatal, 2. Also called: Benign Neonatal Epilepsy 2; Seizures, benign neonatal, 2; KCNQ3-Related Self-Limited Familial Neonatal Epilepsy (SLFNE); CONVULSIONS, BENIGN FAMILIAL NEONATAL, 2; KCNQ3-Related Benign Familial Neonatal Epilepsy. Identifiers: Orphanet 1949, MedGen C1852581, MONDO:0007366, OMIM 121201.
Benign neonatal seizures. Also called: Benign familial neonatal seizures; Benign neonatal familial convulsions; Benign familial neonatal epilepsy; Convulsions benign familial neonatal dominant form; Autosomal dominant form of benign neonatal seizures. Identifiers: Orphanet 1949, MedGen C0220669, MONDO:0016027.

Allele frequency attached by ClinVar (database versions not stated): gnomAD 0.00007; TOPMed 0.00008; ESP Exome Variant Server 0.00015; 1000 Genomes Project 30x 0.00016; 1000 Genomes Project 0.00020.
gnomAD v4.1: 138 of 1,614,206 alleles (0.0085%); highest among the groups gnomAD compares: Middle Eastern, 0.016%; no homozygotes.

Submissions (6):

Labcorp Genetics (formerly Invitae), Labcorp
Classification: Uncertain significance for Benign neonatal seizures. Last evaluated: 2025-10-03. Review status: criteria provided, single submitter. Criteria: Invitae Variant Classification Sherloc (09022015). Collection method: clinical testing. Allele origin: germline.
Comment: This sequence change replaces arginine, which is basic and polar, with cysteine, which is neutral and slightly polar, at codon 780 of the KCNQ3 protein (p.Arg780Cys). This variant is present in population databases (rs138852641, gnomAD 0.02%). This missense change has been observed in individual(s) with benign familial neonatal-infantile seizures (PMID: 23360469). It has also been observed to segregate with disease in related individuals. ClinVar contains an entry for this variant (Variation ID: 405218). Invitae Evidence Modeling of protein sequence and biophysical properties (such as structural, functional, and spatial information, amino acid conservation, physicochemical variation, residue mobility, and thermodynamic stability) indicates that this missense variant is not expected to disrupt KCNQ3 protein function with a negative predictive value of 95%. In summary, the available evidence is currently insufficient to determine the role of this variant in disease. Therefore, it has been classified as a Variant of Uncertain Significance.

Blueprint Genetics
Classification: Likely benign. Last evaluated: 2024-10-24. Review status: criteria provided, single submitter. Criteria: ACMG Guidelines, 2015. Collection method: clinical testing. Allele origin: germline.

Ambry Genetics
Classification: Likely benign for Inborn genetic diseases. Last evaluated: 2020-03-18. Review status: criteria provided, single submitter. Criteria: Ambry Variant Classification Scheme 2023. Collection method: clinical testing. Allele origin: germline.

GeneDx
Classification: Likely benign. Last evaluated: 2019-09-26. Review status: criteria provided, single submitter. Criteria: GeneDx Variant Classification Process June 2021. Collection method: clinical testing. Allele origin: germline. Affected: yes.
Comment: This variant is associated with the following publications: (PMID: 28488083, 27064559, 24851285, 25982755, 23360469, 28717674)

CeGaT Center for Human Genetics Tuebingen
Classification: Uncertain significance. Last evaluated: 2019-08-01. Review status: criteria provided, single submitter. Criteria: CeGaT Center For Human Genetics Tuebingen Variant Classification Criteria Version 2. Collection method: clinical testing. Allele origin: germline. Affected: yes. Observed: 2 variant alleles.

GeneReviews
No classification provided. Condition: Seizures, benign familial neonatal, 2. Review status: no classification provided. Collection method: literature only. Allele origin: germline. Not counted in ClinVar's aggregate classification.

Literature cited by the submitters: PubMed 23360469 (cited by Labcorp Genetics (formerly Invitae), Labcorp and GeneReviews); NCBI Bookshelf NBK201978 (cited by GeneReviews).

NM_004519.4(KCNQ3):c.2338C>T (p.Arg780Cys)

Gene: KCNQ3 (potassium voltage-gated channel subfamily Q member 3; minus strand). Cytogenetic location: 8q24.22.
Variant type: single nucleotide variant.
Coding change: c.2338C>T on transcript NM_004519.4 (MANE Select); coding-DNA position 2338, C replaced by T.
Protein change: p.Arg780Cys; replaces arginine 780 with cysteine.
Molecular consequence: missense variant.
Genome position (GRCh38, 1-based): chr8:132,129,543, G>A on the plus strand (C>T on the coding strand, the complement: KCNQ3 is on the minus strand). VCF-style: chr8-132129543-G-A. GRCh37 (hg19) VCF-style: chr8-133141790-G-A.
Other names: c.1978C>T, p.Arg660Cys (NM_001204824.2); short protein forms R780C, R660C.
Identifiers: ClinVar variation 405218 (VCV000405218.59), dbSNP rs138852641, ClinGen allele CA4880458.